The following is an entry in ClinVar:

NM_004004.6(GJB2):c.558G>A (p.Thr186=)

Gene: GJB2 (gap junction protein beta 2; minus strand). Cytogenetic location: 13q12.11.
Variant type: single nucleotide variant.
Coding change: c.558G>A on transcript NM_004004.6 (MANE Select); coding-DNA position 558, G replaced by A.
Protein change: p.Thr186=; no amino-acid change (threonine 186 retained).
Molecular consequence: synonymous variant.
Genome position (GRCh38, 1-based): chr13:20,189,024, C>T on the plus strand (G>A on the coding strand, the complement: GJB2 is on the minus strand). VCF-style: chr13-20189024-C-T. GRCh37 (hg19) VCF-style: chr13-20763163-C-T.
Identifiers: ClinVar variation 4979364 (VCV004979364.1).

ClinVar aggregate classification (germline): Likely benign (1 of 4 stars; one submission).

Conditions:
GJB2-related disorder. Also called: GJB2-related condition; GJB2-related disorders. Identifiers: MedGen CN382183, MONDO:1060236.

Submission:

PreventionGenetics, part of Exact Sciences
Classification: Likely benign for GJB2-related condition. Last evaluated: 2025-03-25. Review status: criteria provided, single submitter. Criteria: ACMG Guidelines, 2015. Collection method: clinical testing. Allele origin: germline.
Comment: This variant is classified as likely benign based on ACMG/AMP sequence variant interpretation guidelines (Richards et al. 2015 PMID: 25741868, with internal and published modifications).